The following is an entry in ClinVar:

NM_006086.4(TUBB3):c.1113C>T (p.Ser371=)

Gene: TUBB3 (tubulin beta 3 class III; plus strand). Cytogenetic location: 16q24.3.
Variant type: single nucleotide variant.
Coding change: c.1113C>T on transcript NM_006086.4 (MANE Select); coding-DNA position 1113, C replaced by T.
Protein change: p.Ser371=; no amino-acid change (serine 371 retained).
Molecular consequence: synonymous variant.
Genome position (GRCh38, 1-based): chr16:89,935,564, C>T. VCF-style: chr16-89935564-C-T. GRCh37 (hg19) VCF-style: chr16-90001972-C-T.
Other names: c.897C>T, p.Ser299= (NM_001197181.2).
Identifiers: ClinVar variation 383471 (VCV000383471.1), dbSNP rs1057521639, ClinGen allele CA16607152.

ClinVar aggregate classification (germline): Likely benign (1 of 4 stars; one submission).

Allele frequency attached by ClinVar (database versions not stated): TOPMed below 0.00001.

Submission:

GeneDx
Classification: Likely benign. Last evaluated: 2016-02-29. Review status: criteria provided, single submitter. Criteria: GeneDx Variant Classification (06012015). Collection method: clinical testing. Allele origin: germline. Affected: yes.
Comment: This variant is considered likely benign or benign based on one or more of the following criteria: it is a conservative change, it occurs at a poorly conserved position in the protein, it is predicted to be benign by multiple in silico algorithms, and/or has population frequency not consistent with disease.